The following is an entry in ClinVar:

ClinVar aggregate classification (germline): Conflicting classifications of pathogenicity. Review status: criteria provided, conflicting classifications (1 of 4 stars). 2 submissions from 2 submitters: Uncertain significance (1); Likely benign (1). Last evaluated 2024-12-21.

Conditions:
Primary ciliary dyskinesia. Also called: Ciliary dyskinesia. Identifiers: Orphanet 244, MedGen C0008780, MONDO:0016575, HP:0012265.

Allele frequency attached by ClinVar (database versions not stated): ExAC 0.00001; gnomAD 0.00001; gnomAD exomes 0.00001; TOPMed 0.00002.
gnomAD v4.1: 17 of 1,613,898 alleles (0.0011%); highest among the groups gnomAD compares: East Asian, 0.031%; no homozygotes.

Submissions (2):

Labcorp Genetics (formerly Invitae), Labcorp
Classification: Uncertain significance for Primary ciliary dyskinesia. Last evaluated: 2024-12-21. Review status: criteria provided, single submitter. Criteria: Invitae Variant Classification Sherloc (09022015). Collection method: clinical testing. Allele origin: germline.
Comment: This sequence change replaces histidine, which is basic and polar, with arginine, which is basic and polar, at codon 336 of the CCDC114 protein (p.His336Arg). This variant is present in population databases (rs780566776, gnomAD 0.02%). This variant has not been reported in the literature in individuals affected with CCDC114-related conditions. ClinVar contains an entry for this variant (Variation ID: 2290975). An algorithm developed to predict the effect of missense changes on protein structure and function outputs the following: PolyPhen-2: "Benign". The arginine amino acid residue is found in multiple mammalian species, which suggests that this missense change does not adversely affect protein function. In summary, the available evidence is currently insufficient to determine the role of this variant in disease. Therefore, it has been classified as a Variant of Uncertain Significance.

Ambry Genetics
Classification: Likely benign for Primary ciliary dyskinesia. Last evaluated: 2022-05-25. Review status: criteria provided, single submitter. Criteria: Ambry Variant Classification Scheme 2023. Collection method: clinical testing. Allele origin: germline.

NM_001364171.2(ODAD1):c.1118A>G (p.His373Arg)

Gene: ODAD1 (outer dynein arm docking complex subunit 1; minus strand). Cytogenetic location: 19q13.33.
Variant type: single nucleotide variant.
Coding change: c.1118A>G on transcript NM_001364171.2 (MANE Select); coding-DNA position 1118, A replaced by G.
Protein change: p.His373Arg; replaces histidine 373 with arginine.
Molecular consequence: missense variant.
Genome position (GRCh38, 1-based): chr19:48,302,816, T>C on the plus strand (A>G on the coding strand, the complement: ODAD1 is on the minus strand). VCF-style: chr19-48302816-T-C. GRCh37 (hg19) VCF-style: chr19-48806073-T-C.
Other names: c.1007A>G, p.His336Arg (NM_144577.4); short protein forms H373R, H336R.
Identifiers: ClinVar variation 2290975 (VCV002290975.4), dbSNP rs780566776, ClinGen allele CA9548813.